The following is an entry in ClinVar:

NM_000528.4(MAN2B1):c.1109+1G>C

Gene: MAN2B1 (mannosidase alpha class 2B member 1; minus strand). Cytogenetic location: 19p13.13.
Variant type: single nucleotide variant.
Coding change: c.1109+1G>C on transcript NM_000528.4 (MANE Select); the canonical splice donor site of the intron after coding-DNA position 1109, G replaced by C.
Molecular consequence: splice donor variant.
Genome position (GRCh38, 1-based): chr19:12,658,427, C>G on the plus strand (G>C on the coding strand, the complement: MAN2B1 is on the minus strand). VCF-style: chr19-12658427-C-G. GRCh37 (hg19) VCF-style: chr19-12769241-C-G.
Other names: c.1106+1G>C (NM_001173498.2).
Identifiers: ClinVar variation 942231 (VCV000942231.9), dbSNP rs2024027294, ClinGen allele CA404248496.

ClinVar aggregate classification (germline): Pathogenic/Likely pathogenic. Review status: criteria provided, multiple submitters, no conflicts (2 of 4 stars). 2 submissions from 2 submitters: Pathogenic (1); Likely pathogenic (1). Last evaluated 2019-08-29.

Conditions:
Deficiency of alpha-mannosidase (MANSA). Also called: Mannosidosis, alpha-, types I and II; LYSOSOMAL ALPHA-D-MANNOSIDASE DEFICIENCY; Alpha-Mannosidosis. Identifiers: Orphanet 61, MedGen C0024748, MONDO:0009561, OMIM 248500.

Submissions (2):

Labcorp Genetics (formerly Invitae), Labcorp
Classification: Likely pathogenic for Deficiency of alpha-mannosidase. Last evaluated: 2019-08-29. Review status: criteria provided, single submitter. Criteria: Invitae Variant Classification Sherloc (09022015). Collection method: clinical testing. Allele origin: germline.
Comment: In summary, the currently available evidence indicates that the variant is pathogenic, but additional data are needed to prove that conclusively. Therefore, this variant has been classified as Likely Pathogenic. Donor and acceptor splice site variants typically lead to a loss of protein function (PMID: 16199547), and loss-of-function variants in MAN2B1 are known to be pathogenic (PMID: 9915946, 22161967). Algorithms developed to predict the effect of sequence changes on RNA splicing suggest that this variant may disrupt the consensus splice site, but this prediction has not been confirmed by published transcriptional studies. This variant has not been reported in the literature in individuals with MAN2B1-related conditions. This variant is not present in population databases (ExAC no frequency). This sequence change affects a donor splice site in intron 8 of the MAN2B1 gene. It is expected to disrupt RNA splicing and likely results in an absent or disrupted protein product.

3billion
Classification: Pathogenic for Deficiency of alpha-mannosidase. Review status: criteria provided, single submitter. Criteria: ACMG Guidelines, 2015. Collection method: clinical testing. Allele origin: unknown. Affected: yes. Observed: 1 homozygote.
Comment: The variant is not observed in the gnomAD v2.1.1 dataset. The variant is predicted to alter splicing and result in a loss or disruption of normal protein function. Multiple pathogenic loss-of-function variants are reported downstream of the variant. The variant has been reported to be associated with MAN2B1 related disorder (ClinVar ID: VCV000942231). Therefore, this variant is classified as Pathogenic according to the recommendation of ACMG/AMP guideline.

Literature cited by the submitters: PubMed 16199547 (cited by Labcorp Genetics (formerly Invitae), Labcorp); PubMed 9915946 (cited by Labcorp Genetics (formerly Invitae), Labcorp); PubMed 22161967 (cited by Labcorp Genetics (formerly Invitae), Labcorp).